The following is an entry in ClinVar:

NM_000702.4(ATP1A2):c.1132A>C (p.Thr378Pro)

Gene: ATP1A2 (ATPase Na+/K+ transporting subunit alpha 2; plus strand). Cytogenetic location: 1q23.2.
Variant type: single nucleotide variant.
Coding change: c.1132A>C on transcript NM_000702.4 (MANE Select); coding-DNA position 1132, A replaced by C.
Protein change: p.Thr378Pro; replaces threonine 378 with proline.
Molecular consequence: missense variant.
Genome position (GRCh38, 1-based): chr1:160,128,766, A>C. VCF-style: chr1-160128766-A-C. GRCh37 (hg19) VCF-style: chr1-160098556-A-C.
Other names: short protein forms T378P.
Identifiers: ClinVar variation 4279597 (VCV004279597.1).

ClinVar aggregate classification (germline): Likely pathogenic (1 of 4 stars; one submission).

Conditions:
Developmental and epileptic encephalopathy 98. Identifiers: MedGen C5562017, MONDO:0030472, OMIM 619605.

Submission:

Diagnostics Services (NGS), CSIR - Centre For Cellular And Molecular Biology
Classification: Likely pathogenic for Developmental and epileptic encephalopathy 98. Last evaluated: 2025-09-08. Review status: criteria provided, single submitter. Criteria: ACMG Guidelines, 2015. Collection method: clinical testing. Allele origin: germline. Affected: yes. Observed: 1 variant allele, 1 heterozygote.
Comment: The c.1132A>C variant is not present in publicly available population databases like 1000 Genomes, EVS, gnomAD, Indian Exome Database or our internal database. This variant has neither been published in the literature for ATP1A2-related conditions nor reported to clinical databases like Human Genome Mutation Database (HGMD), ClinVar or OMIM in any affected individuals. In-silico pathogenicity prediction programs like SIFT, Polyphen-2, MutationTaster2021, CADD, Varsome, Franklin etc predicted this variant to be likely deleterious however these predictions were not confirmed in published functional studies. This variant is located in a mutational hotspot region of the gene and different amino acid changes in the same codon (Thr378Ile, Thr378Asn) has been previously observed in affected individuals, published in literature several times and reported to the clinical databases as ‘Pathogenic/Likely pathogenic’ by multiple submitters. The variant has classified as likely pathogenic following PM1, PM2, PM5, PP3 criteria of ACMG guideline.